The following is an entry in ClinVar:

ClinVar aggregate classification (germline): Uncertain significance (1 of 4 stars; one submission).

gnomAD v4.1: 9 of 1,612,472 alleles (0.00056%); highest among the groups gnomAD compares: Admixed American, 0.005%; no homozygotes.

Submission:

Labcorp Genetics (formerly Invitae), Labcorp
Classification: Uncertain significance. Last evaluated: 2025-09-22. Review status: criteria provided, single submitter. Criteria: Invitae Variant Classification Sherloc (09022015). Collection method: clinical testing. Allele origin: germline.
Comment: This sequence change replaces arginine, which is basic and polar, with glutamine, which is neutral and polar, at codon 467 of the ITSN2 protein (p.Arg467Gln). This variant is present in population databases (rs146154232, gnomAD 0.009%). This variant has not been reported in the literature in individuals affected with ITSN2-related conditions. Experimental studies and prediction algorithms are not available or were not evaluated, and the functional significance of this variant is currently unknown. In summary, the available evidence is currently insufficient to determine the role of this variant in disease. Therefore, it has been classified as a Variant of Uncertain Significance.

NM_006277.3(ITSN2):c.1400G>A (p.Arg467Gln)

Gene: ITSN2 (intersectin 2; minus strand). Cytogenetic location: 2p23.3.
Variant type: single nucleotide variant.
Coding change: c.1400G>A on transcript NM_006277.3 (MANE Select); coding-DNA position 1400, G replaced by A.
Protein change: p.Arg467Gln; replaces arginine 467 with glutamine.
Molecular consequence: missense variant.
Genome position (GRCh38, 1-based): chr2:24,298,759, C>T on the plus strand (G>A on the coding strand, the complement: ITSN2 is on the minus strand). VCF-style: chr2-24298759-C-T. GRCh37 (hg19) VCF-style: chr2-24521628-C-T.
Other names: c.1358G>A, p.Arg453Gln (NM_001348181.2, NM_001348184.2); c.1400G>A, p.Arg467Gln (NM_001348182.2, NM_001348183.2, NM_001348185.2 and 3 more transcripts); short protein forms R467Q, R453Q.
Identifiers: ClinVar variation 4740679 (VCV004740679.1).
Genomic context (GRCh38, chr2:24,298,759, plus strand): 5'-TTAGAGTTTAACCTGACAATTTCTTCTTGTTCTCTATTCTTTTGATTGAGAAGCTCCTGT[C>T]GCCGAATTCTCTCCCATTCTAAGCGACGTTGTCGTTCAAGTTCCTGTTTTGCTGCCTGAA-3'
Protein context (NP_006268.2, residues 457-477): QRRLEWERIR[Arg467Gln]QELLNQKNRE